The following is an entry in ClinVar:

NM_001003787.4(STRADA):c.36+1G>A

Gene: STRADA (STE20 related adaptor alpha; minus strand). Cytogenetic location: 17q23.3.
Variant type: single nucleotide variant.
Coding change: c.36+1G>A on transcript NM_001003787.4 (MANE Select); the canonical splice donor site of the intron after coding-DNA position 36, G replaced by A.
Molecular consequence: splice donor variant. On other transcripts: intron variant (5).
Genome position (GRCh38, 1-based): chr17:63,728,333, C>T on the plus strand (G>A on the coding strand, the complement: STRADA is on the minus strand). VCF-style: chr17-63728333-C-T. GRCh37 (hg19) VCF-style: chr17-61805693-C-T.
Other names: c.12+25G>A (NM_001363789.1, NM_001003786.3, NM_153335.6 and 1 more transcripts); c.-110+25G>A (NM_001363790.1); c.36+1G>A (NM_001165969.2, NM_001363787.1, NM_001411084.1 and 4 more transcripts); c.-110+1G>A (NM_001363791.1, NM_001003788.3).
Identifiers: ClinVar variation 1068097 (VCV001068097.10), dbSNP rs1185962534, ClinGen allele CA400596245.

ClinVar aggregate classification (germline): Likely pathogenic. Review status: criteria provided, multiple submitters, no conflicts (2 of 4 stars). 2 submissions from 2 submitters: Likely pathogenic (2). Last evaluated 2025-01-17.

Conditions:
Polyhydramnios, megalencephaly, and symptomatic epilepsy (PMSE). Also called: PMSE SYNDROME. Identifiers: Orphanet 500533, MedGen C1970203, MONDO:0012611, OMIM 611087.

Allele frequency attached by ClinVar (database versions not stated): gnomAD exomes below 0.00001; gnomAD 0.00001; TOPMed 0.00001.
gnomAD v4.1: 4 of 1,613,240 alleles (0.00025%); highest among the groups gnomAD compares: Non-Finnish European, 0.00034%; no homozygotes.

Submissions (2):

Labcorp Genetics (formerly Invitae), Labcorp
Classification: Likely pathogenic for Polyhydramnios, megalencephaly, and symptomatic epilepsy. Last evaluated: 2025-01-17. Review status: criteria provided, single submitter. Criteria: Invitae Variant Classification Sherloc (09022015). Collection method: clinical testing. Allele origin: germline.
Comment: This sequence change affects a donor splice site in intron 2 of the STRADA gene. It is expected to disrupt RNA splicing. Variants that disrupt the donor or acceptor splice site typically lead to a loss of protein function (PMID: 16199547), and loss-of-function variants in STRADA are known to be pathogenic (PMID: 17522105, 27170158). The frequency data for this variant in the population databases is considered unreliable, as metrics indicate poor data quality at this position in the gnomAD database. This variant has not been reported in the literature in individuals affected with STRADA-related conditions. ClinVar contains an entry for this variant (Variation ID: 1068097). Algorithms developed to predict the effect of sequence changes on RNA splicing suggest that this variant may disrupt the consensus splice site. In summary, the currently available evidence indicates that the variant is pathogenic, but additional data are needed to prove that conclusively. Therefore, this variant has been classified as Likely Pathogenic.

GeneDx
Classification: Likely pathogenic. Last evaluated: 2023-12-13. Review status: criteria provided, single submitter. Criteria: GeneDx Variant Classification Process June 2021. Collection method: clinical testing. Allele origin: germline. Affected: yes.
Comment: Canonical splice site variant expected to result in aberrant splicing, although in the absence of functional evidence the actual effect of this sequence change is unknown.; Not observed at significant frequency in large population cohorts (gnomAD); Has not been previously published as pathogenic or benign to our knowledge

Literature cited by the submitters: PubMed 16199547 (cited by Labcorp Genetics (formerly Invitae), Labcorp); PubMed 17522105 (cited by Labcorp Genetics (formerly Invitae), Labcorp); PubMed 27170158 (cited by Labcorp Genetics (formerly Invitae), Labcorp).